The following is an entry in ClinVar:

NM_005708.5(GPC6):c.634A>T (p.Thr212Ser)

Genes: GPC6 (glypican 6; plus strand), GPC6-AS2 (GPC6 antisense RNA 2; minus strand). Cytogenetic location: 13q31.3.
Variant type: single nucleotide variant.
Coding change: c.634A>T on transcript NM_005708.5 (MANE Select); coding-DNA position 634, A replaced by T.
Protein change: p.Thr212Ser; replaces threonine 212 with serine.
Molecular consequence: missense variant.
Genome position (GRCh38, 1-based): chr13:93,830,468, A>T. VCF-style: chr13-93830468-A-T. GRCh37 (hg19) VCF-style: chr13-94482721-A-T.
Other names: short protein forms T212S.
Identifiers: ClinVar variation 2229716 (VCV002229716.2), dbSNP rs1043287978, ClinGen allele CA255001059.

ClinVar aggregate classification (germline): Uncertain significance (1 of 4 stars; one submission).

Conditions:
Inborn genetic diseases. Identifiers: MedGen C0950123, MeSH D030342.

Allele frequency attached by ClinVar (database versions not stated): TOPMed below 0.00001; gnomAD 0.00001; gnomAD exomes 0.00001.
gnomAD v4.1: 5 of 1,613,786 alleles (0.00031%); highest among the groups gnomAD compares: Admixed American, 0.005%; no homozygotes.

Submission:

Ambry Genetics
Classification: Uncertain significance for Inborn genetic diseases. Last evaluated: 2021-03-25. Review status: criteria provided, single submitter. Criteria: Ambry Variant Classification Scheme 2023. Collection method: clinical testing. Allele origin: germline.
Comment: The c.634A>T (p.T212S) alteration is located in exon 3 (coding exon 3) of the GPC6 gene. This alteration results from a A to T substitution at nucleotide position 634, causing the threonine (T) at amino acid position 212 to be replaced by a serine (S). The p.T212S alteration is predicted to be tolerated by in silico analysis. Based on insufficient or conflicting evidence, the clinical significance of this alteration remains unclear.